The following is an entry in ClinVar:

NM_002473.6(MYH9):c.3100+7G>A

Gene: MYH9 (myosin heavy chain 9; minus strand). Cytogenetic location: 22q12.3.
Variant type: single nucleotide variant.
Coding change: c.3100+7G>A on transcript NM_002473.6 (MANE Select); 7 bases into the intron after coding-DNA position 3100, G replaced by A.
Molecular consequence: intron variant.
Genome position (GRCh38, 1-based): chr22:36,298,912, C>T on the plus strand (G>A on the coding strand, the complement: MYH9 is on the minus strand). VCF-style: chr22-36298912-C-T. GRCh37 (hg19) VCF-style: chr22-36694958-C-T.
Other names: c.3100+7G>A (NM_002473.5).
Identifiers: ClinVar variation 504978 (VCV000504978.15), dbSNP rs553320578, ClinGen allele CA10209764.

ClinVar aggregate classification (germline): Likely benign. Review status: criteria provided, multiple submitters, no conflicts (2 of 4 stars). 4 submissions from 4 submitters: Likely benign (3). 1 of the submissions does not count toward it. Last evaluated 2025-12-17.

Conditions:
MYH9-related disorder. Identifiers: MedGen C1854520.

Allele frequency attached by ClinVar (database versions not stated): gnomAD exomes 0.00004; ExAC 0.00005; 1000 Genomes Project 30x 0.00016; 1000 Genomes Project 0.00020; gnomAD 0.00021 and 0.00023; TOPMed 0.00025.
gnomAD v4.1: 66 of 1,613,706 alleles (0.0041%); highest among the groups gnomAD compares: African/African-American, 0.083%; no homozygotes.

Submissions (4):

Labcorp Genetics (formerly Invitae), Labcorp
Classification: Likely benign. Last evaluated: 2025-12-17. Review status: criteria provided, single submitter. Criteria: Invitae Variant Classification Sherloc (09022015). Collection method: clinical testing. Allele origin: germline.

Blueprint Genetics
Classification: Likely benign. Last evaluated: 2024-09-17. Review status: criteria provided, single submitter. Criteria: ACMG Guidelines, 2015. Collection method: clinical testing. Allele origin: germline.

Laboratory for Molecular Medicine, Mass General Brigham Personalized Medicine
Classification: Likely benign. Last evaluated: 2016-06-02. Review status: criteria provided, single submitter. Criteria: LMM Criteria. Collection method: clinical testing. Allele origin: germline. Observed: 1 variant allele.
Comment: c.3100+7G>A in intron 24 of MYH9: This variant is not expected to have clinical significance because it is not located within the splice consensus sequence. It has been identified in 6/10400 African chromosomes by the Exome Aggregation Con sortium (ExAC; dbSNP rs553320578).

PreventionGenetics, part of Exact Sciences
Classification: Likely benign for MYH9-related condition. Last evaluated: 2023-04-19. Review status: no assertion criteria provided. Collection method: clinical testing. Allele origin: germline. Not counted in ClinVar's aggregate classification.
Comment: This variant is classified as likely benign based on ACMG/AMP sequence variant interpretation guidelines (Richards et al. 2015 PMID: 25741868, with internal and published modifications).